The following is an entry in ClinVar:

NM_002666.5(PLIN1):c.67C>T (p.Arg23Trp)

Genes: PLIN1 (perilipin 1; minus strand), LOC125146351 (Sharpr-MPRA regulatory region 3473; plus strand). Cytogenetic location: 15q26.1.
Variant type: single nucleotide variant.
Coding change: c.67C>T on transcript NM_002666.5 (MANE Select); coding-DNA position 67, C replaced by T.
Protein change: p.Arg23Trp; replaces arginine 23 with tryptophan.
Molecular consequence: missense variant.
Genome position (GRCh38, 1-based): chr15:89,673,393, G>A on the plus strand (C>T on the coding strand, the complement: PLIN1 is on the minus strand). VCF-style: chr15-89673393-G-A. GRCh37 (hg19) VCF-style: chr15-90216624-G-A.
Other names: c.67C>T, p.Arg23Trp (NM_001145311.2); short protein forms R23W.
Identifiers: ClinVar variation 3034253 (VCV003034253.3), dbSNP rs370499275, ClinGen allele CA7729154.

ClinVar aggregate classification (germline): Likely benign. Review status: criteria provided, single submitter (1 of 4 stars). 2 submissions from 2 submitters: Likely benign (1). 1 of the submissions does not count toward it. Last evaluated 2026-05-29.

Conditions:
PLIN1-related disorder. Also called: PLIN1-related condition.

Allele frequency attached by ClinVar (database versions not stated): gnomAD 0.00004; gnomAD exomes 0.00012; TOPMed 0.00016.

Submissions (2):

Women's Health and Genetics/Laboratory Corporation of America, LabCorp
Classification: Likely benign. Last evaluated: 2026-05-29. Review status: criteria provided, single submitter. Criteria: LabCorp Variant Classification Summary - May 2015. Collection method: clinical testing. Allele origin: germline.
Comment: Variant summary: PLIN1 c.67C>T (p.Arg23Trp) results in a non-conservative amino acid change in the encoded protein sequence. Algorithms developed to predict the effect of missense changes on protein structure and function are either unavailable or do not agree on the potential impact of this missense change. The variant allele was found at a frequency of 0.00048 in 228034 control chromosomes, predominantly at a frequency of 0.0033 within the Latino subpopulation in the gnomAD database. The observed variant frequency within Latino control individuals in the gnomAD database exceeds the estimated maximal expected allele frequency for disease-causing variants in PLIN1. To our knowledge, no occurrence of c.67C>T in individuals affected with PLIN1-related conditions and no experimental evidence demonstrating its impact on protein function have been reported. ClinVar contains an entry for this variant (Variation ID: 3034253). Based on the evidence outlined above, the variant was classified as likely benign.

PreventionGenetics, part of Exact Sciences
Classification: Likely benign for PLIN1-related condition. Last evaluated: 2019-06-14. Review status: no assertion criteria provided. Collection method: clinical testing. Allele origin: germline. Not counted in ClinVar's aggregate classification.
Comment: This variant is classified as likely benign based on ACMG/AMP sequence variant interpretation guidelines (Richards et al. 2015 PMID: 25741868, with internal and published modifications).